The following is an entry in ClinVar:

ClinVar aggregate classification (germline): Uncertain significance (1 of 4 stars; one submission).

Conditions:
Cardiovascular phenotype. Identifiers: MedGen CN230736.

gnomAD v4.1: 1 of 1,613,154 alleles (0.000062%); highest among the groups gnomAD compares: Non-Finnish European, 0.000085%; no homozygotes.

Submission:

Ambry Genetics
Classification: Uncertain significance for Cardiovascular phenotype. Last evaluated: 2025-04-05. Review status: criteria provided, single submitter. Criteria: Ambry Variant Classification Scheme 2023. Collection method: clinical testing. Allele origin: germline.
Comment: The p.S108T variant (also known as c.323G>C), located in coding exon 2 of the LMF1 gene, results from a G to C substitution at nucleotide position 323. The serine at codon 108 is replaced by threonine, an amino acid with similar properties. This amino acid position is conserved. In addition, this alteration is predicted to be tolerated by in silico analysis. Based on the available evidence, the clinical significance of this variant remains unclear.

NM_022773.4(LMF1):c.323G>C (p.Ser108Thr)

Gene: LMF1 (lipase maturation factor 1; minus strand). Cytogenetic location: 16p13.3.
Variant type: single nucleotide variant.
Coding change: c.323G>C on transcript NM_022773.4 (MANE Select); coding-DNA position 323, G replaced by C.
Protein change: p.Ser108Thr; replaces serine 108 with threonine.
Molecular consequence: missense variant. On other transcripts: 5 prime UTR variant (4), non-coding transcript variant (1).
Genome position (GRCh38, 1-based): chr16:954,537, C>G on the plus strand (G>C on the coding strand, the complement: LMF1 is on the minus strand). VCF-style: chr16-954537-C-G. GRCh37 (hg19) VCF-style: chr16-1004537-C-G.
Other names: c.-481G>C (NM_001352017.2); c.-232G>C (NM_001352018.2); c.-5G>C (NM_001352019.2); c.323G>C, p.Ser108Thr (NM_001352020.1); c.-383G>C (NM_001352021.2); short protein forms S108T.
Identifiers: ClinVar variation 4047689 (VCV004047689.1).